The following is an entry in ClinVar:

NM_020937.4(FANCM):c.1678T>A (p.Cys560Ser)

Gene: FANCM (FA complementation group M; plus strand). Cytogenetic location: 14q21.2.
Variant type: single nucleotide variant.
Coding change: c.1678T>A on transcript NM_020937.4 (MANE Select); coding-DNA position 1678, T replaced by A.
Protein change: p.Cys560Ser; replaces cysteine 560 with serine.
Molecular consequence: missense variant.
Genome position (GRCh38, 1-based): chr14:45,164,455, T>A. VCF-style: chr14-45164455-T-A. GRCh37 (hg19) VCF-style: chr14-45633658-T-A.
Other names: c.1600T>A, p.Cys534Ser (NM_001308133.2); c.1678T>A, p.Cys560Ser (NM_001308134.2); short protein forms C534S, C560S.
Identifiers: ClinVar variation 4749109 (VCV004749109.1).

ClinVar aggregate classification (germline): Uncertain significance (1 of 4 stars; one submission).

Conditions:
Fanconi anemia (FA). Also called: Fanconi's anemia. Identifiers: Orphanet 84, MedGen C0015625, MeSH D005199, MONDO:0019391.

gnomAD v4.1: 2 of 1,613,680 alleles (0.00012%); highest among the groups gnomAD compares: Non-Finnish European, 0.00017%; no homozygotes.

Submission:

Labcorp Genetics (formerly Invitae), Labcorp
Classification: Uncertain significance for Fanconi anemia. Last evaluated: 2025-06-27. Review status: criteria provided, single submitter. Criteria: Invitae Variant Classification Sherloc (09022015). Collection method: clinical testing. Allele origin: germline.
Comment: This sequence change replaces cysteine, which is neutral and slightly polar, with serine, which is neutral and polar, at codon 560 of the FANCM protein (p.Cys560Ser). This variant is not present in population databases (gnomAD no frequency). This variant has not been reported in the literature in individuals affected with FANCM-related conditions. An algorithm developed to predict the effect of missense changes on protein structure and function (PolyPhen-2) suggests that this variant is likely to be disruptive. In summary, the available evidence is currently insufficient to determine the role of this variant in disease. Therefore, it has been classified as a Variant of Uncertain Significance.